The following is an entry in ClinVar:

ClinVar aggregate classification (germline): Uncertain significance. Review status: criteria provided, multiple submitters, no conflicts (2 of 4 stars). 2 submissions from 2 submitters: Uncertain significance (2). Last evaluated 2023-10-06.

Conditions:
Hereditary cancer-predisposing syndrome. Also called: Hereditary neoplastic syndrome; Hereditary Cancer Syndrome; Neoplastic Syndromes, Hereditary; Tumor predisposition. Identifiers: Orphanet 140162, MedGen C0027672, MeSH D009386, MONDO:0015356.
Hereditary nonpolyposis colorectal neoplasms. Identifiers: MedGen C0009405, MeSH D003123.

Submissions (2):

Labcorp Genetics (formerly Invitae), Labcorp
Classification: Uncertain significance for Hereditary nonpolyposis colorectal neoplasms. Last evaluated: 2023-10-06. Review status: criteria provided, single submitter. Criteria: Invitae Variant Classification Sherloc (09022015). Collection method: clinical testing. Allele origin: germline.
Comment: This sequence change replaces lysine, which is basic and polar, with arginine, which is basic and polar, at codon 930 of the MSH6 protein (p.Lys930Arg). This variant is not present in population databases (gnomAD no frequency). This variant has not been reported in the literature in individuals affected with MSH6-related conditions. ClinVar contains an entry for this variant (Variation ID: 237165). Advanced modeling of protein sequence and biophysical properties (such as structural, functional, and spatial information, amino acid conservation, physicochemical variation, residue mobility, and thermodynamic stability) performed at Invitae indicates that this missense variant is not expected to disrupt MSH6 protein function. Experimental studies and prediction algorithms are not available or were not evaluated, and the effect of this variant on mRNA splicing is currently unknown. In summary, the available evidence is currently insufficient to determine the role of this variant in disease. Therefore, it has been classified as a Variant of Uncertain Significance.

Ambry Genetics
Classification: Uncertain significance for Hereditary cancer-predisposing syndrome. Last evaluated: 2022-11-30. Review status: criteria provided, single submitter. Criteria: Ambry Variant Classification Scheme 2023. Collection method: clinical testing. Allele origin: germline.
Comment: The p.K930R variant (also known as c.2789A>G), located in coding exon 4 of the MSH6 gene, results from an A to G substitution at nucleotide position 2789. The lysine at codon 930 is replaced by arginine, an amino acid with highly similar properties. This amino acid position is highly conserved in available vertebrate species. In addition, the in silico prediction for this alteration is inconclusive. Since supporting evidence is limited at this time, the clinical significance of this alteration remains unclear.

NM_000179.3(MSH6):c.2789A>G (p.Lys930Arg)

Gene: MSH6 (mutS homolog 6; plus strand). Cytogenetic location: 2p16.3.
Variant type: single nucleotide variant.
Coding change: c.2789A>G on transcript NM_000179.3 (MANE Select); coding-DNA position 2789, A replaced by G.
Protein change: p.Lys930Arg; replaces lysine 930 with arginine.
Molecular consequence: missense variant.
Genome position (GRCh38, 1-based): chr2:47,800,772, A>G. VCF-style: chr2-47800772-A-G. GRCh37 (hg19) VCF-style: chr2-48027911-A-G.
Other names: c.2399A>G, p.Lys800Arg (NM_001281492.2); c.1883A>G, p.Lys628Arg (NM_001281493.2, NM_001281494.2); short protein forms K930R, K628R, K800R.
Identifiers: ClinVar variation 237165 (VCV000237165.10), dbSNP rs878853720, ClinGen allele CA10582068.
Genomic context (GRCh38, chr2:47,800,772, plus strand): 5'-ACCGATGGGATACAGCCTTTGACCATGAAAAGGCTCGAAAGACTGGACTTATTACTCCCA[A>G]AGCAGGCTTTGACTCTGATTATGACCAAGCTCTTGCTGACATAAGAGAAAATGAACAGAG-3'
Protein context (NP_000170.1, residues 920-940): KARKTGLITP[Lys930Arg]AGFDSDYDQA